The following is an entry in ClinVar:

ClinVar aggregate classification (germline): Uncertain significance (1 of 4 stars; one submission).

Conditions:
Emery-Dreifuss muscular dystrophy (EDMD). Also called: Scapuloperoneal syndrome, X-linked (formerly); Humeroperoneal neuromuscular disease, (formerly). Identifiers: MedGen C0410189, MONDO:0016830, Orphanet 261.

Submission:

Labcorp Genetics (formerly Invitae), Labcorp
Classification: Uncertain significance for Emery-Dreifuss muscular dystrophy. Last evaluated: 2023-06-19. Review status: criteria provided, single submitter. Criteria: Invitae Variant Classification Sherloc (09022015). Collection method: clinical testing. Allele origin: unknown.
Comment: In summary, the available evidence is currently insufficient to determine the role of this variant in disease. Therefore, it has been classified as a Variant of Uncertain Significance. This variant has not been reported in the literature in individuals affected with SUN1-related conditions. A gross deletion of the genomic region encompassing the full coding sequence of the SUN1 gene has been identified. The current clinical and genetic evidence is not sufficient to establish whether loss-of-function variants in SUN1 cause disease. The boundaries of this event are unknown as they extend beyond the assayed region for this gene and therefore may encompass additional genes.

NC_000007.13:g.(?_288261)_(912968_?)del

Genes: DNAAF5 (dynein axonemal assembly factor 5; plus strand), FAM20C (FAM20C golgi associated secretory pathway kinase; plus strand), PDGFA (platelet derived growth factor subunit A; minus strand), PRKAR1B (protein kinase cAMP-dependent type I regulatory subunit beta; minus strand), SUN1 (Sad1 and UNC84 domain containing 1; plus strand). Cytogenetic location: 7p22.3.
Variant type: Deletion.
Identifiers: ClinVar variation 3245722 (VCV003245722.1).